The following is an entry in ClinVar:

ClinVar aggregate classification (germline): Uncertain significance (1 of 4 stars; one submission).

Conditions:
Myopathy, centronuclear, 2 (CNM2). Also called: MYOTUBULAR MYOPATHY, AUTOSOMAL RECESSIVE. Identifiers: Orphanet 169186, MedGen CN031787, MONDO:0009709, OMIM 255200.

Allele frequency attached by ClinVar (database versions not stated): gnomAD 0.00001; gnomAD exomes below 0.00001; TOPMed below 0.00001.
gnomAD v4.1: 6 of 1,588,454 alleles (0.00038%); highest among the groups gnomAD compares: Non-Finnish European, 0.00051%; no homozygotes.

Submission:

Labcorp Genetics (formerly Invitae), Labcorp
Classification: Uncertain significance for Myopathy, centronuclear, 2. Last evaluated: 2022-10-17. Review status: criteria provided, single submitter. Criteria: Invitae Variant Classification Sherloc (09022015). Collection method: clinical testing. Allele origin: germline.
Comment: ClinVar contains an entry for this variant (Variation ID: 954778). This variant has not been reported in the literature in individuals affected with BIN1-related conditions. This variant is not present in population databases (gnomAD no frequency). This sequence change replaces serine, which is neutral and polar, with asparagine, which is neutral and polar, at codon 296 of the BIN1 protein (p.Ser296Asn). Advanced modeling of protein sequence and biophysical properties (such as structural, functional, and spatial information, amino acid conservation, physicochemical variation, residue mobility, and thermodynamic stability) performed at Invitae indicates that this missense variant is not expected to disrupt BIN1 protein function. In summary, the available evidence is currently insufficient to determine the role of this variant in disease. Therefore, it has been classified as a Variant of Uncertain Significance.

NM_139343.3(BIN1):c.887G>A (p.Ser296Asn)

Gene: BIN1 (bridging integrator 1; minus strand). Cytogenetic location: 2q14.3.
Variant type: single nucleotide variant.
Coding change: c.887G>A on transcript NM_139343.3 (MANE Select); coding-DNA position 887, G replaced by A.
Protein change: p.Ser296Asn; replaces serine 296 with asparagine.
Molecular consequence: missense variant.
Genome position (GRCh38, 1-based): chr2:127,059,126, C>T on the plus strand (G>A on the coding strand, the complement: BIN1 is on the minus strand). VCF-style: chr2-127059126-C-T. GRCh37 (hg19) VCF-style: chr2-127816702-C-T.
Other names: c.839G>A, p.Ser280Asn (NM_001320632.2, NM_004305.4, NM_139346.3); c.887G>A, p.Ser296Asn (NM_001320633.2, NM_001320640.2, NM_139344.3 and 1 more transcripts); c.722G>A, p.Ser241Asn (NM_001320634.1); c.794G>A, p.Ser265Asn (NM_001320641.2, NM_139347.3, NM_139348.3 and 3 more transcripts); c.806G>A, p.Ser269Asn (NM_001320642.1); short protein forms S269N, S280N, S241N, S296N, S265N.
Identifiers: ClinVar variation 954778 (VCV000954778.9), dbSNP rs1490772170, ClinGen allele CA348379876.